The following is an entry in ClinVar:

ClinVar aggregate classification (germline): Benign. Review status: criteria provided, multiple submitters, no conflicts (2 of 4 stars). 14 submissions from 13 submitters: Benign (10). 4 of the submissions do not count toward it. Last evaluated 2026-02-04.

Conditions:
Hypertrichotic osteochondrodysplasia Cantu type. Also called: Cantu Syndrome; Cantú Syndrome. Identifiers: Orphanet 1517, MedGen C0795905, MONDO:0009406, OMIM 239850.
Dilated cardiomyopathy 1O (CMD1O). Also called: CARDIOMYOPATHY, DILATED, WITH VENTRICULAR TACHYCARDIA. Identifiers: Orphanet 154, MedGen C1837839, MONDO:0012062, OMIM 608569.

Allele frequency attached by ClinVar (database versions not stated): TOPMed 0.99810; 1000 Genomes Project 30x 0.99813; gnomAD 0.99814 and 0.99827; gnomAD exomes 0.99983.

Submissions (16):

Labcorp Genetics (formerly Invitae), Labcorp
Classification: Benign for Dilated cardiomyopathy 1O. Last evaluated: 2026-02-04. Review status: criteria provided, single submitter. Criteria: Invitae Variant Classification Sherloc (09022015). Collection method: clinical testing. Allele origin: germline.

Blueprint Genetics
Classification: Benign. Last evaluated: 2024-11-27. Review status: criteria provided, single submitter. Criteria: ACMG Guidelines, 2015. Collection method: clinical testing. Allele origin: germline.

Genome-Nilou Lab
Classification: Benign for Hypertrichotic osteochondrodysplasia Cantu type. Last evaluated: 2021-07-14. Review status: criteria provided, single submitter. Criteria: ACMG Guidelines, 2015. Collection method: clinical testing. Allele origin: germline. Affected: no.

Laboratory for Molecular Medicine, Mass General Brigham Personalized Medicine
Classification: Benign. Last evaluated: 2018-03-07. Review status: criteria provided, single submitter. Criteria: LMM Criteria. Collection method: clinical testing. Allele origin: germline. Observed: 2,110 variant alleles.
Comment: c.2199-11T>C in intron 16 of ABCC9: This "variant" represents the major allele a t this position. The "variant" is observed in 0.55% of African American chromoso mes by the Genome Aggregation Database (t/12-22017422-A-G). ACMG classification BA1

Illumina Laboratory Services, Illumina
Classification: Benign for Dilated cardiomyopathy 1O. Last evaluated: 2018-01-12. Review status: criteria provided, single submitter. Criteria: ICSL Variant Classification Criteria 13 December 2019. Collection method: clinical testing. Allele origin: germline.
Comment: This variant was observed in the ICSL laboratory as part of a predisposition screen in an ostensibly healthy population. It had not been previously curated by ICSL or reported in the Human Gene Mutation Database (HGMD: prior to June 1st, 2018), and was therefore a candidate for classification through an automated scoring system. Utilizing variant allele frequency, disease prevalence and penetrance estimates, and inheritance mode, an automated score was calculated to assess if this variant is too frequent to cause the disease. Based on the score and internal cut-off values, a variant classified as benign is not then subjected to further curation. The score for this variant resulted in a classification of benign for this disease.

Illumina Laboratory Services, Illumina
Classification: Benign for Hypertrichotic osteochondrodysplasia Cantu type. Last evaluated: 2018-01-12. Review status: criteria provided, single submitter. Criteria: ICSL Variant Classification Criteria 13 December 2019. Collection method: clinical testing. Allele origin: germline.
Comment: the same text as in the submission from Illumina Laboratory Services, Illumina above.

Eurofins Ntd Llc (ga)
Classification: Benign. Last evaluated: 2015-04-29. Review status: criteria provided, single submitter. Criteria: EGL Classification Definitions 2015. Collection method: clinical testing. Allele origin: germline. Observed: 2 variant alleles, 2 homozygotes.

GeneDx
Classification: Benign. Last evaluated: 2013-11-22. Review status: criteria provided, single submitter. Criteria: GeneDx Variant Classification (06012015). Collection method: clinical testing. Allele origin: germline. Affected: yes.
Comment: This variant is considered likely benign or benign based on one or more of the following criteria: it is a conservative change, it occurs at a poorly conserved position in the protein, it is predicted to be benign by multiple in silico algorithms, and/or has population frequency not consistent with disease.

Breakthrough Genomics
Classification: Benign. Review status: criteria provided, single submitter. Criteria: ACMG Guidelines, 2015. Collection method: not provided. Allele origin: germline. Inheritance: Autosomal recessive inheritance. Affected: yes.

PreventionGenetics, part of Exact Sciences
Classification: Benign. Review status: criteria provided, single submitter. Criteria: ACMG Guidelines, 2015. Collection method: clinical testing. Allele origin: germline.

Clinical Genetics DNA and cytogenetics Diagnostics Lab, Erasmus MC, Erasmus Medical Center
Classification: Benign. Review status: no assertion criteria provided. Collection method: clinical testing. Allele origin: germline. Affected: yes. Study: VKGL Data-share Consensus. Not counted in ClinVar's aggregate classification.

Clinical Genetics, Academic Medical Center
Classification: Benign. Review status: no assertion criteria provided. Collection method: clinical testing. Allele origin: germline. Affected: yes. Study: VKGL Data-share Consensus. Not counted in ClinVar's aggregate classification.

Diagnostic Laboratory, Department of Genetics, University Medical Center Groningen
Classification: Benign. Review status: no assertion criteria provided. Collection method: clinical testing. Allele origin: germline. Affected: yes. Study: VKGL Data-share Consensus. Not counted in ClinVar's aggregate classification.

Dr. Peter K. Rogan Lab, Western University
No classification provided (evidence only). Condition: Hepatocellular carcinoma. Review status: no classification provided. Collection method: in vitro. Allele origin: not applicable. Functional consequence: retained intron. Not counted in ClinVar's aggregate classification.

Dr. Peter K. Rogan Lab, Western University
No classification provided (evidence only). Condition: Hepatocellular carcinoma. Review status: no classification provided. Collection method: in vitro. Allele origin: not applicable. Functional consequence: skipped exon. Not counted in ClinVar's aggregate classification.

Genome Diagnostics Laboratory, University Medical Center Utrecht
Classification: Benign. Review status: no assertion criteria provided. Collection method: clinical testing. Allele origin: germline. Affected: yes. Study: VKGL Data-share Consensus. Not counted in ClinVar's aggregate classification.

NM_020297.4(ABCC9):c.2199-11=

Gene: ABCC9 (ATP binding cassette subfamily C member 9; minus strand). Cytogenetic location: 12p12.1.
Variant type: single nucleotide variant.
Coding change: c.2199-11= on transcript NM_020297.4 (MANE Select); 11 bases into the intron before coding-DNA position 2199, no change from the reference sequence.
Molecular consequence: intron variant.
Genome position: GRCh38 VCF-style: chr12-21864488-G-G. GRCh37 (hg19) VCF-style: chr12-22017422-A-G.
Other names: c.1335-11= (NM_001377274.1); c.2199-11= (NM_005691.4, NM_001377273.1).
Identifiers: ClinVar variation 45402 (VCV000045402.31), dbSNP rs697250.